The following is an entry in ClinVar:

ClinVar aggregate classification (germline): Likely benign (1 of 4 stars; one submission).

Submission:

CeGaT Center for Human Genetics Tuebingen
Classification: Likely benign. Last evaluated: 2022-10-01. Review status: criteria provided, single submitter. Criteria: CeGaT Center For Human Genetics Tuebingen Variant Classification Criteria Version 2. Collection method: clinical testing. Allele origin: germline. Affected: yes. Observed: 1 variant allele.
Comment: ADAMTS3: PM2:Supporting, BP4, BP7

NM_014243.3(ADAMTS3):c.309T>C (p.Ala103=)

Gene: ADAMTS3 (ADAM metallopeptidase with thrombospondin type 1 motif 3; minus strand). Cytogenetic location: 4q13.3.
Variant type: single nucleotide variant.
Coding change: c.309T>C on transcript NM_014243.3 (MANE Select); coding-DNA position 309, T replaced by C.
Protein change: p.Ala103=; no amino-acid change (alanine 103 retained).
Molecular consequence: synonymous variant.
Genome position (GRCh38, 1-based): chr4:72,548,673, A>G on the plus strand (T>C on the coding strand, the complement: ADAMTS3 is on the minus strand). VCF-style: chr4-72548673-A-G. GRCh37 (hg19) VCF-style: chr4-73414390-A-G.
Identifiers: ClinVar variation 2654814 (VCV002654814.24), dbSNP rs2545566059, ClinGen allele CA439951957.